The following is an entry in ClinVar:

ClinVar aggregate classification (germline): Uncertain significance. Review status: criteria provided, multiple submitters, no conflicts (2 of 4 stars). 2 submissions from 2 submitters: Uncertain significance (2). Last evaluated 2026-03-06.

Conditions:
Inborn genetic diseases. Identifiers: MedGen C0950123, MeSH D030342.
Acute myeloid leukemia (AML). Also called: Leukemia, acute myeloid, somatic; Leukemia, acute myelogenous, somatic; Acute myeloid leukemia, adult; AML adult; Acute non-lymphocytic leukemia; Acute granulocytic leukemia. Identifiers: Orphanet 519, MedGen C0023467, MeSH D015470, MONDO:0018874, OMIM 601626, HP:0004808. Disease mechanism: Constitutively activated FLT3.

Submissions (2):

Ambry Genetics
Classification: Uncertain significance for Inborn genetic diseases. Last evaluated: 2026-03-06. Review status: criteria provided, single submitter. Criteria: Ambry Variant Classification Scheme 2023. Collection method: clinical testing. Allele origin: germline.
Comment: The p.S190W variant (also known as c.569C>G), located in coding exon 1 of the CEBPA gene, results from a C to G substitution at nucleotide position 569. The serine at codon 190 is replaced by tryptophan, an amino acid with highly dissimilar properties. This amino acid position is conserved. In addition, this alteration is predicted to be tolerated by in silico analysis. Based on the available evidence, the clinical significance of this variant remains unclear.

Labcorp Genetics (formerly Invitae), Labcorp
Classification: Uncertain significance for Acute myeloid leukemia. Last evaluated: 2020-11-11. Review status: criteria provided, single submitter. Criteria: Invitae Variant Classification Sherloc (09022015). Collection method: clinical testing. Allele origin: germline.
Comment: This sequence change replaces serine with tryptophan at codon 190 of the CEBPA protein (p.Ser190Trp). The serine residue is weakly conserved and there is a large physicochemical difference between serine and tryptophan. The frequency data for this variant in the population databases is considered unreliable, as metrics indicate insufficient coverage at this position in the ExAC database. This variant has not been reported in the literature in individuals with CEBPA-related conditions. Algorithms developed to predict the effect of missense changes on protein structure and function are either unavailable or do not agree on the potential impact of this missense change (SIFT: "Deleterious"; PolyPhen-2: "Benign"; Align-GVGD: "Class C0"). In summary, the available evidence is currently insufficient to determine the role of this variant in disease. Therefore, it has been classified as a Variant of Uncertain Significance.

NM_004364.5(CEBPA):c.569C>G (p.Ser190Trp)

Gene: CEBPA (CCAAT enhancer binding protein alpha; minus strand). Cytogenetic location: 19q13.11.
Variant type: single nucleotide variant.
Coding change: c.569C>G on transcript NM_004364.5 (MANE Select); coding-DNA position 569, C replaced by G.
Protein change: p.Ser190Trp; replaces serine 190 with tryptophan.
Molecular consequence: missense variant.
Genome position (GRCh38, 1-based): chr19:33,301,846, G>C on the plus strand (C>G on the coding strand, the complement: CEBPA is on the minus strand). VCF-style: chr19-33301846-G-C. GRCh37 (hg19) VCF-style: chr19-33792752-G-C.
Other names: c.212C>G, p.Ser71Trp (NM_001285829.2); c.674C>G, p.Ser225Trp (NM_001287424.2); c.527C>G, p.Ser176Trp (NM_001287435.2); c.569C>G (NM_004364.3); short protein forms S176W, S225W, S190W, S71W.
Identifiers: ClinVar variation 1471162 (VCV001471162.9), dbSNP rs1555742114, ClinGen allele CA405274674.